The following is an entry in ClinVar:

ClinVar aggregate classification (germline): Uncertain significance (1 of 4 stars; one submission).

Submission:

GeneDx
Classification: Uncertain significance. Last evaluated: 2025-09-05. Review status: criteria provided, single submitter. Criteria: GeneDx Variant Classification Process June 2021. Collection method: clinical testing. Allele origin: germline. Affected: yes.
Comment: Not observed at significant frequency in large population cohorts (gnomAD); In silico analysis supports that this missense variant has a deleterious effect on protein structure/function; Has not been previously published as pathogenic or benign to our knowledge

NM_006060.6(IKZF1):c.616T>A (p.Cys206Ser)

Gene: IKZF1 (IKAROS family zinc finger 1; plus strand). Cytogenetic location: 7p12.2.
Variant type: single nucleotide variant.
Coding change: c.616T>A on transcript NM_006060.6 (MANE Select); coding-DNA position 616, T replaced by A.
Protein change: p.Cys206Ser; replaces cysteine 206 with serine.
Molecular consequence: missense variant. On other transcripts: intron variant (9).
Genome position (GRCh38, 1-based): chr7:50,387,371, T>A. VCF-style: chr7-50387371-T-A. GRCh37 (hg19) VCF-style: chr7-50455069-T-A.
Other names: c.355T>A, p.Cys119Ser (NM_001220767.2, NM_001291838.2); c.187T>A, p.Cys63Ser (NM_001291841.1, NM_001291842.1); c.676T>A, p.Cys226Ser (NM_001410879.1); c.329-4358T>A (NM_001291839.2, NM_001220770.2); c.590-4358T>A (NM_001220765.3, NM_001291837.2); c.589+4664T>A (NM_001220768.2); c.421+10578T>A (NM_001220771.2); c.161-4358T>A (NM_001291843.1, NM_001291844.1); and 1 more; short protein forms C119S, C206S, C226S, C63S.
Identifiers: ClinVar variation 3372397 (VCV003372397.2).